The following is an entry in ClinVar:

ClinVar aggregate classification (germline): Pathogenic (1 of 4 stars; one submission).

Conditions:
Hereditary nonpolyposis colorectal neoplasms. Identifiers: MedGen C0009405, MeSH D003123.

Submission:

Labcorp Genetics (formerly Invitae), Labcorp
Classification: Pathogenic for Hereditary nonpolyposis colorectal neoplasms. Last evaluated: 2019-06-16. Review status: criteria provided, single submitter. Criteria: Invitae Variant Classification Sherloc (09022015). Collection method: clinical testing. Allele origin: germline.
Comment: This variant has not been reported in the literature in individuals with MSH6-related conditions. For these reasons, this variant has been classified as Pathogenic. Loss-of-function variants in MSH6 are known to be pathogenic (PMID: 18269114, 24362816). This variant is not present in population databases (ExAC no frequency). This sequence change creates a premature translational stop signal (p.Pro408Aspfs*8) in the MSH6 gene. It is expected to result in an absent or disrupted protein product.

Literature cited by the submitters: PubMed 18269114; PubMed 24362816.

NM_000179.3(MSH6):c.1222_1226del (p.Pro408fs)

Gene: MSH6 (mutS homolog 6; plus strand). Cytogenetic location: 2p16.3.
Variant type: Deletion.
Coding change: c.1222_1226del on transcript NM_000179.3 (MANE Select); coding-DNA positions 1222 to 1226, 5 bases deleted (CCTGG; older notation c.1222_1226delCCTGG).
Protein change: p.Pro408fs; shifts the reading frame from proline 408.
Molecular consequence: frameshift variant.
Genome position (GRCh38, 1-based): chr2:47,799,205-47,799,209, CCTGG deleted. VCF-style (leftmost placement, unchanged base first): chr2-47799204-TCCTGG-T. GRCh37 (hg19) VCF-style: chr2-48026343-TCCTGG-T.
Other names: c.832_836del, p.Pro278fs (NM_001281492.2); c.316_320del, p.Pro106fs (NM_001281493.2, NM_001281494.2); short protein forms P106fs, P278fs, P408fs.
Identifiers: ClinVar variation 938926 (VCV000938926.8), dbSNP rs1669309735, ClinGen allele CA1139657010.
Genomic context (GRCh38, chr2:47,799,204, plus strand): 5'-TCACCCCGATTTTGATGCATCTACACTCTATGTGCCTGAGGATTTCCTCAATTCTTGTAC[TCCTGG>T]GATGAGGAAGTGGTGGCAGATTAAGTCTCAGAACTTTGATCTTGTCATCTGTTACAAGGT-3'